The following is an entry in ClinVar:

NM_152564.5(VPS13B):c.3214G>A (p.Glu1072Lys)

Gene: VPS13B (vacuolar protein sorting 13 homolog B; plus strand). Cytogenetic location: 8q22.2.
Variant type: single nucleotide variant.
Coding change: c.3214G>A on transcript NM_152564.5 (MANE Select); coding-DNA position 3214, G replaced by A.
Protein change: p.Glu1072Lys; replaces glutamic acid 1072 with lysine.
Molecular consequence: missense variant.
Genome position (GRCh38, 1-based): chr8:99,442,404, G>A. VCF-style: chr8-99442404-G-A. GRCh37 (hg19) VCF-style: chr8-100454632-G-A.
Other names: c.3214G>A, p.Glu1072Lys (NM_017890.5); short protein forms E1072K.
Identifiers: ClinVar variation 1345762 (VCV001345762.5), dbSNP rs1370204743, ClinGen allele CA371870331.

ClinVar aggregate classification (germline): Uncertain significance (1 of 4 stars; one submission).

Conditions:
Cohen syndrome (COH1). Also called: Cutis verticis gyrata, retinitis pigmentosa, and sensorineural deafness; PEPPER SYNDROME. Identifiers: Orphanet 193, MedGen C0265223, MONDO:0008999, OMIM 216550.

Allele frequency attached by ClinVar (database versions not stated): gnomAD exomes below 0.00001.
gnomAD v4.1: 4 of 1,613,158 alleles (0.00025%); highest among the groups gnomAD compares: Non-Finnish European, 0.00034%; no homozygotes.

Submission:

Labcorp Genetics (formerly Invitae), Labcorp
Classification: Uncertain significance for Cohen syndrome. Last evaluated: 2021-09-17. Review status: criteria provided, single submitter. Criteria: Invitae Variant Classification Sherloc (09022015). Collection method: clinical testing. Allele origin: germline.
Comment: This sequence change replaces glutamic acid with lysine at codon 1072 of the VPS13B protein (p.Glu1072Lys). The glutamic acid residue is weakly conserved and there is a small physicochemical difference between glutamic acid and lysine. This variant is not present in population databases (ExAC no frequency). This variant has not been reported in the literature in individuals affected with VPS13B-related conditions. Algorithms developed to predict the effect of missense changes on protein structure and function are either unavailable or do not agree on the potential impact of this missense change (SIFT: "Not Available"; PolyPhen-2: "Benign"; Align-GVGD: "Not Available"). In summary, the available evidence is currently insufficient to determine the role of this variant in disease. Therefore, it has been classified as a Variant of Uncertain Significance.